The following is an entry in ClinVar:

NM_006231.4(POLE):c.1806G>C (p.Glu602Asp)

Gene: POLE (DNA polymerase epsilon, catalytic subunit; minus strand). Cytogenetic location: 12q24.33.
Variant type: single nucleotide variant.
Coding change: c.1806G>C on transcript NM_006231.4 (MANE Select); coding-DNA position 1806, G replaced by C.
Protein change: p.Glu602Asp; replaces glutamic acid 602 with aspartic acid.
Molecular consequence: missense variant.
Genome position (GRCh38, 1-based): chr12:132,668,928, C>G on the plus strand (G>C on the coding strand, the complement: POLE is on the minus strand). VCF-style: chr12-132668928-C-G. GRCh37 (hg19) VCF-style: chr12-133245514-C-G.
Other names: short protein forms E602D.
Identifiers: ClinVar variation 647050 (VCV000647050.8), dbSNP rs1057521932, ClinGen allele CA387355625.

ClinVar aggregate classification (germline): Uncertain significance (1 of 4 stars; one submission).

Submission:

Labcorp Genetics (formerly Invitae), Labcorp
Classification: Uncertain significance. Last evaluated: 2018-12-17. Review status: criteria provided, single submitter. Criteria: Invitae Variant Classification Sherloc (09022015). Collection method: clinical testing. Allele origin: germline.
Comment: In summary, the available evidence is currently insufficient to determine the role of this variant in disease. Therefore, it has been classified as a Variant of Uncertain Significance. Algorithms developed to predict the effect of missense changes on protein structure and function (SIFT, PolyPhen-2, Align-GVGD) all suggest that this variant is likely to be tolerated, but these predictions have not been confirmed by published functional studies and their clinical significance is uncertain. This variant has not been reported in the literature in individuals with POLE-related conditions. This variant is not present in population databases (ExAC no frequency). This sequence change replaces glutamic acid with aspartic acid at codon 602 of the POLE protein (p.Glu602Asp). The glutamic acid residue is moderately conserved and there is a small physicochemical difference between glutamic acid and aspartic acid.